The following is an entry in ClinVar:

NM_002972.4(SBF1):c.3967C>T (p.Arg1323Trp)

Gene: SBF1 (SET binding factor 1; minus strand). Cytogenetic location: 22q13.33.
Variant type: single nucleotide variant.
Coding change: c.3967C>T on transcript NM_002972.4 (MANE Select); coding-DNA position 3967, C replaced by T.
Protein change: p.Arg1323Trp; replaces arginine 1323 with tryptophan.
Molecular consequence: missense variant.
Genome position (GRCh38, 1-based): chr22:50,456,611, G>A on the plus strand (C>T on the coding strand, the complement: SBF1 is on the minus strand). VCF-style: chr22-50456611-G-A. GRCh37 (hg19) VCF-style: chr22-50895040-G-A.
Other names: c.3892C>T, p.Arg1298Trp (NM_001365819.1); c.3970C>T, p.Arg1324Trp (NM_001410794.1); c.3889C>T, p.Arg1297Trp (NM_001410795.1); c.3967C>T, p.Arg1323Trp (NM_197971.1); short protein forms R1324W, R1297W, R1298W, R1323W.
Identifiers: ClinVar variation 2037540 (VCV002037540.5), dbSNP rs562435922, ClinGen allele CA10316456.

ClinVar aggregate classification (germline): Uncertain significance. Review status: criteria provided, multiple submitters, no conflicts (2 of 4 stars). 3 submissions from 3 submitters: Uncertain significance (3). Last evaluated 2024-09-19.

Conditions:
Charcot-Marie-Tooth disease type 4B3. Also called: Charcot-Marie-Tooth Neuropathy Type 4B3; CHARCOT-MARIE-TOOTH DISEASE, DEMYELINATING, TYPE 4B3. Identifiers: Orphanet 363981, MedGen C3695063, MONDO:0014117, OMIM 615284.

Allele frequency attached by ClinVar (database versions not stated): gnomAD exomes 0.00003; gnomAD 0.00005; TOPMed 0.00005; ExAC 0.00014; 1000 Genomes Project 30x 0.00016; 1000 Genomes Project 0.00020.
gnomAD v4.1: 50 of 1,525,714 alleles (0.0033%); highest among the groups gnomAD compares: African/African-American, 0.018%; no homozygotes.

Submissions (3):

Labcorp Genetics (formerly Invitae), Labcorp
Classification: Uncertain significance. Last evaluated: 2024-09-19. Review status: criteria provided, single submitter. Criteria: Invitae Variant Classification Sherloc (09022015). Collection method: clinical testing. Allele origin: germline.
Comment: This sequence change replaces arginine, which is basic and polar, with tryptophan, which is neutral and slightly polar, at codon 1323 of the SBF1 protein (p.Arg1323Trp). The frequency data for this variant in the population databases is considered unreliable, as metrics indicate poor data quality at this position in the gnomAD database. This variant has not been reported in the literature in individuals affected with SBF1-related conditions. ClinVar contains an entry for this variant (Variation ID: 2037540). Invitae Evidence Modeling of protein sequence and biophysical properties (such as structural, functional, and spatial information, amino acid conservation, physicochemical variation, residue mobility, and thermodynamic stability) indicates that this missense variant is expected to disrupt SBF1 protein function with a positive predictive value of 80%. In summary, the available evidence is currently insufficient to determine the role of this variant in disease. Therefore, it has been classified as a Variant of Uncertain Significance.

ARUP Laboratories, Molecular Genetics and Genomics, ARUP Laboratories
Classification: Uncertain significance for Charcot-Marie-Tooth disease type 4B3. Last evaluated: 2023-12-20. Review status: criteria provided, single submitter. Criteria: ARUP Molecular Germline Variant Investigation Process 2024. Collection method: clinical testing. Allele origin: germline.
Comment: The SBF1 c.3967C>T; p.Arg1323Trp variant (rs562435922), to our knowledge, is not reported in the medical literature but is reported in ClinVar (Variation ID: 2037540). This variant is observed in the general population with an overall allele frequency of 0.007% (12/176140 alleles) in the Genome Aggregation Database (v2.1.1). Computational analyses are uncertain whether this variant is neutral or deleterious (REVEL: 0.695). Due to limited information, the clinical significance of this variant is uncertain at this time.

Ambry Genetics
Classification: Uncertain significance. Last evaluated: 2022-09-07. Review status: criteria provided, single submitter. Criteria: Ambry Variant Classification Scheme 2023. Collection method: clinical testing. Allele origin: germline.